The following is an entry in ClinVar:

NM_002016.2(FLG):c.3541_3543delinsTAC (p.His1181Tyr)

Genes: CCDST (cervical cancer associated DHX9 suppressive transcript; plus strand), FLG (filaggrin; minus strand). Cytogenetic location: 1q21.3.
Variant type: Indel.
Coding change: c.3541_3543delinsTAC on transcript NM_002016.2 (MANE Select); coding-DNA positions 3541 to 3543, CAT replaced by TAC.
Protein change: p.His1181Tyr; replaces histidine 1181 with tyrosine.
Molecular consequence: missense variant.
Genome position (GRCh38, 1-based): chr1:152,311,343-152,311,345, ATG replaced by GTA on the plus strand (CAT replaced by TAC on the coding strand, the reverse complement: FLG is on the minus strand). VCF-style: chr1-152311343-ATG-GTA. GRCh37 (hg19) VCF-style: chr1-152283819-ATG-GTA.
Other names: c.3541_3543delCATinsTAC, p.His1181Tyr (NM_002016.1); short protein forms H1181Y.
Identifiers: ClinVar variation 3372806 (VCV003372806.1).
Genomic context (GRCh38, chr1:152,311,343, plus strand): 5'-CTGGGATGTGGTGTGGCTGTGATGGGACCCTGAGTGTCCAGATCTATCTACCGATTGCTC[ATG>GTA]GTGGGATCCCTGCCTTCCTCCTCTCCTTGACCCCGGGTGTGCACGAATGGTGTCCTGACC-3'
Protein context (NP_002007.1, residues 1171-1191): SRRGGRQGSH[His1181Tyr]EQSVDRSGHS

ClinVar aggregate classification (germline): Uncertain significance (1 of 4 stars; one submission).

Submission:

GeneDx
Classification: Uncertain significance. Last evaluated: 2024-04-30. Review status: criteria provided, single submitter. Criteria: GeneDx Variant Classification Process June 2021. Collection method: clinical testing. Allele origin: germline. Affected: yes.
Comment: Has not been previously published as pathogenic or benign to our knowledge; In silico analysis does not support a benign or deleterious effect of this variant on protein structure/function